The following is an entry in ClinVar:

ClinVar aggregate classification (germline): Benign. Review status: criteria provided, multiple submitters, no conflicts (2 of 4 stars). 3 submissions from 3 submitters: Benign (2). 1 of the submissions does not count toward it. Last evaluated 2019-12-31.

Conditions:
TGFBR3-related disorder. Also called: TGFBR3-related condition.

Allele frequency attached by ClinVar (database versions not stated): ESP Exome Variant Server 0.00192; gnomAD 0.00337 and 0.00409; TOPMed 0.00551; ExAC 0.00659; gnomAD exomes 0.00711; 1000 Genomes Project 30x 0.01124; 1000 Genomes Project 0.01158.
gnomAD v4.1: 6,417 of 1,613,652 alleles (0.4%); highest among the groups gnomAD compares: East Asian, 3.4%; 52 homozygotes.

Submissions (3):

Labcorp Genetics (formerly Invitae), Labcorp
Classification: Benign. Last evaluated: 2019-12-31. Review status: criteria provided, single submitter. Criteria: Invitae Variant Classification Sherloc (09022015). Collection method: clinical testing. Allele origin: germline.

Breakthrough Genomics
Classification: Benign. Review status: criteria provided, single submitter. Criteria: ACMG Guidelines, 2015. Collection method: not provided. Allele origin: germline. Inheritance: Unknown mechanism. Affected: yes.

PreventionGenetics, part of Exact Sciences
Classification: Benign for TGFBR3-related condition. Last evaluated: 2019-09-18. Review status: no assertion criteria provided. Collection method: clinical testing. Allele origin: germline. Not counted in ClinVar's aggregate classification.
Comment: This variant is classified as benign based on ACMG/AMP sequence variant interpretation guidelines (Richards et al. 2015 PMID: 25741868, with internal and published modifications).

NM_003243.5(TGFBR3):c.2293G>C (p.Gly765Arg)

Gene: TGFBR3 (transforming growth factor beta receptor 3; minus strand). Cytogenetic location: 1p22.1.
Variant type: single nucleotide variant.
Coding change: c.2293G>C on transcript NM_003243.5 (MANE Select); coding-DNA position 2293, G replaced by C.
Protein change: p.Gly765Arg; replaces glycine 765 with arginine.
Molecular consequence: missense variant. On other transcripts: non-coding transcript variant (1).
Genome position (GRCh38, 1-based): chr1:91,698,125, C>G on the plus strand (G>C on the coding strand, the complement: TGFBR3 is on the minus strand). VCF-style: chr1-91698125-C-G. GRCh37 (hg19) VCF-style: chr1-92163682-C-G.
Other names: c.2290G>C, p.Gly764Arg (NM_001195683.2, NM_001195684.1); short protein forms G764R, G765R.
Identifiers: ClinVar variation 777326 (VCV000777326.7), dbSNP rs17882828, ClinGen allele CA947578.
Genomic context (GRCh38, chr1:91,698,125, plus strand): 5'-CGAAATAGTTGCATAAAGACTTACGTGGAGAAATTGGATTTGGTTCCTTCATGCTTGGAC[C>G]TTTTTCTGAAACAAAAACATAAATCACAATGTATTCTATGGAGAACCAAGATTTAAGCAA-3'
Protein context (NP_003234.2, residues 755-775): IHHEAESKEK[Gly765Arg]PSMKEPNPIS